The following is an entry in ClinVar:

NM_206933.4(USH2A):c.370dup (p.Ser124fs)

Gene: USH2A (usherin; minus strand). Cytogenetic location: 1q41.
Variant type: Duplication.
Coding change: c.370dup on transcript NM_206933.4 (MANE Select); coding-DNA position 370, one base duplicated (T; older notation c.370dupT).
Protein change: p.Ser124fs; shifts the reading frame from serine 124.
Molecular consequence: frameshift variant.
Genome position (GRCh38, 1-based): chr1:216,421,967, A duplicated on the plus strand (T on the coding strand, the reverse complement: USH2A is on the minus strand); the first of 2 consecutive A bases (chr1:216,421,967-216,421,968); duplicating either gives the same sequence. VCF-style (leftmost placement, unchanged base first): chr1-216421966-G-GA. GRCh37 (hg19) VCF-style: chr1-216595308-G-GA.
Other names: c.370dup, p.Ser124fs (NM_007123.6); short protein forms S124fs.
Identifiers: ClinVar variation 2075345 (VCV002075345.4), dbSNP rs2527654082, ClinGen allele CA2580062164.

ClinVar aggregate classification (germline): Pathogenic (1 of 4 stars; one submission).

Submission:

Labcorp Genetics (formerly Invitae), Labcorp
Classification: Pathogenic. Last evaluated: 2022-01-05. Review status: criteria provided, single submitter. Criteria: Invitae Variant Classification Sherloc (09022015). Collection method: clinical testing. Allele origin: germline.
Comment: For these reasons, this variant has been classified as Pathogenic. This variant has not been reported in the literature in individuals affected with USH2A-related conditions. This variant is not present in population databases (gnomAD no frequency). This sequence change creates a premature translational stop signal (p.Ser124Phefs*34) in the USH2A gene. It is expected to result in an absent or disrupted protein product. Loss-of-function variants in USH2A are known to be pathogenic (PMID: 10729113, 10909849, 20507924, 25649381).

Literature cited by the submitters: PubMed 10729113; PubMed 10909849; PubMed 20507924; PubMed 25649381.